The following is an entry in ClinVar:

NM_004385.5(VCAN):c.8377A>G (p.Thr2793Ala)

Genes: VCAN (versican; plus strand), VCAN-AS1 (VCAN antisense RNA 1; minus strand). Cytogenetic location: 5q14.3.
Variant type: single nucleotide variant.
Coding change: c.8377A>G on transcript NM_004385.5 (MANE Select); coding-DNA position 8377, A replaced by G.
Protein change: p.Thr2793Ala; replaces threonine 2793 with alanine.
Molecular consequence: missense variant. On other transcripts: intron variant (2).
Genome position (GRCh38, 1-based): chr5:83,541,380, A>G. VCF-style: chr5-83541380-A-G. GRCh37 (hg19) VCF-style: chr5-82837199-A-G.
Other names: c.5416A>G, p.Thr1806Ala (NM_001164097.2); c.4004-4157A>G (NM_001164098.2); c.1043-4157A>G (NM_001126336.3); short protein forms T1806A, T2793A.
Identifiers: ClinVar variation 1898332 (VCV001898332.5), dbSNP rs776293278, ClinGen allele CA3333795.
Genomic context (GRCh38, chr5:83,541,380, plus strand): 5'-TTAGTAGACCATACTCCCTATCTAAGTATTGCTACTACCCACCTTATGGATCAGAGTGTA[A>G]CAGAGGTGCCTGATGTGATGGAAGGATCCAATCCCCCATATTACACTGATACAACATTAG-3'
Protein context (NP_004376.2, residues 2783-2803): ATTHLMDQSV[Thr2793Ala]EVPDVMEGSN

ClinVar aggregate classification (germline): Uncertain significance (1 of 4 stars; one submission).

Allele frequency attached by ClinVar (database versions not stated): ExAC 0.00001; gnomAD 0.00001; gnomAD exomes 0.00001; TOPMed 0.00001.
gnomAD v4.1: 13 of 1,614,008 alleles (0.00081%); highest among the groups gnomAD compares: Admixed American, 0.01%; no homozygotes.

Submission:

Labcorp Genetics (formerly Invitae), Labcorp
Classification: Uncertain significance. Last evaluated: 2024-09-11. Review status: criteria provided, single submitter. Criteria: Invitae Variant Classification Sherloc (09022015). Collection method: clinical testing. Allele origin: germline.
Comment: This sequence change replaces threonine, which is neutral and polar, with alanine, which is neutral and non-polar, at codon 2793 of the VCAN protein (p.Thr2793Ala). This variant is present in population databases (rs776293278, gnomAD 0.01%). This variant has not been reported in the literature in individuals affected with VCAN-related conditions. ClinVar contains an entry for this variant (Variation ID: 1898332). An algorithm developed to predict the effect of missense changes on protein structure and function (PolyPhen-2) suggests that this variant is likely to be disruptive. In summary, the available evidence is currently insufficient to determine the role of this variant in disease. Therefore, it has been classified as a Variant of Uncertain Significance.